The following is an entry in ClinVar:

ClinVar aggregate classification (germline): Uncertain significance. Review status: criteria provided, multiple submitters, no conflicts (2 of 4 stars). 5 submissions from 5 submitters: Uncertain significance (5). Last evaluated 2025-12-15.

Conditions:
Developmental and epileptic encephalopathy, 23 (DEE23). Also called: Epileptic encephalopathy, early infantile, 23. Identifiers: Orphanet 411986, MedGen C4014492, MONDO:0014371, OMIM 615859.
Inborn genetic diseases. Identifiers: MedGen C0950123, MeSH D030342.

Allele frequency attached by ClinVar (database versions not stated): gnomAD 0.00002 and 0.00003; gnomAD exomes 0.00003 and 0.00015; TOPMed 0.00009; ExAC 0.00018; 1000 Genomes Project 0.00020; 1000 Genomes Project 30x 0.00031.
gnomAD v4.1: 52 of 1,609,404 alleles (0.0032%); highest among the groups gnomAD compares: Admixed American, 0.058%; no homozygotes.

Submissions (5):

Labcorp Genetics (formerly Invitae), Labcorp
Classification: Uncertain significance for Developmental and epileptic encephalopathy, 23. Last evaluated: 2025-12-15. Review status: criteria provided, single submitter. Criteria: Invitae Variant Classification Sherloc (09022015). Collection method: clinical testing. Allele origin: germline.
Comment: This sequence change replaces threonine, which is neutral and polar, with methionine, which is neutral and non-polar, at codon 1488 of the DOCK7 protein (p.Thr1488Met). This variant is present in population databases (rs200226943, gnomAD 0.08%). This missense change has been observed in individual(s) with autism spectrum disorder (PMID: 25363768). ClinVar contains an entry for this variant (Variation ID: 541906). Invitae Evidence Modeling of protein sequence and biophysical properties (such as structural, functional, and spatial information, amino acid conservation, physicochemical variation, residue mobility, and thermodynamic stability) indicates that this missense variant is not expected to disrupt DOCK7 protein function with a negative predictive value of 80%. In summary, the available evidence is currently insufficient to determine the role of this variant in disease. Therefore, it has been classified as a Variant of Uncertain Significance.

Ambry Genetics
Classification: Uncertain significance for Inborn genetic diseases. Last evaluated: 2025-06-09. Review status: criteria provided, single submitter. Criteria: Ambry Variant Classification Scheme 2023. Collection method: clinical testing. Allele origin: germline.

Blueprint Genetics
Classification: Uncertain significance. Last evaluated: 2023-11-16. Review status: criteria provided, single submitter. Criteria: ACMG Guidelines, 2015. Collection method: clinical testing. Allele origin: germline.

Genome-Nilou Lab
Classification: Uncertain significance for Developmental and epileptic encephalopathy, 23. Last evaluated: 2023-04-11. Review status: criteria provided, single submitter. Criteria: ACMG Guidelines, 2015. Collection method: clinical testing. Allele origin: germline. Affected: no.

Baylor Genetics
Classification: Uncertain significance for Developmental and epileptic encephalopathy, 23. Last evaluated: 2018-10-15. Review status: criteria provided, single submitter. Criteria: ACMG Guidelines, 2015. Collection method: clinical testing. Allele origin: paternal. Affected: yes.
Comment: This variant was determined to be of uncertain significance according to ACMG Guidelines, 2015 [PMID:25741868].

Literature cited by the submitters: PubMed 25363768 (cited by Labcorp Genetics (formerly Invitae), Labcorp).

NM_001367561.1(DOCK7):c.4490C>T (p.Thr1497Met)

Gene: DOCK7 (dedicator of cytokinesis 7; minus strand). Cytogenetic location: 1p31.3.
Variant type: single nucleotide variant.
Coding change: c.4490C>T on transcript NM_001367561.1 (MANE Select); coding-DNA position 4490, C replaced by T.
Protein change: p.Thr1497Met; replaces threonine 1497 with methionine.
Molecular consequence: missense variant.
Genome position (GRCh38, 1-based): chr1:62,505,803, G>A on the plus strand (C>T on the coding strand, the complement: DOCK7 is on the minus strand). VCF-style: chr1-62505803-G-A. GRCh37 (hg19) VCF-style: chr1-62971474-G-A.
Other names: c.4463C>T, p.Thr1488Met (NM_001271999.2, NM_001330614.2); c.4370C>T, p.Thr1457Met (NM_001272000.2, NM_001272001.2); c.4397C>T, p.Thr1466Met (NM_033407.4); c.4397C>T (NM_033407.2); short protein forms T1488M, T1466M, T1497M, T1457M.
Identifiers: ClinVar variation 541906 (VCV000541906.13), dbSNP rs200226943, ClinGen allele CA885682.